The following is an entry in ClinVar:

NM_198428.3(BBS9):c.703-1G>A

Gene: BBS9 (Bardet-Biedl syndrome 9; plus strand). Cytogenetic location: 7p14.3.
Variant type: single nucleotide variant.
Coding change: c.703-1G>A on transcript NM_198428.3 (MANE Select); the canonical splice acceptor site of the intron before coding-DNA position 703, G replaced by A.
Molecular consequence: splice acceptor variant.
Genome position (GRCh38, 1-based): chr7:33,273,011, G>A. VCF-style: chr7-33273011-G-A. GRCh37 (hg19) VCF-style: chr7-33312623-G-A.
Other names: c.703-1G>A (NM_001033604.2, NM_014451.4, NM_001348040.3 and 5 more transcripts); c.337-1G>A (NM_001348037.3, NM_001348045.3, NM_001348046.3 and 1 more transcripts); c.568-1G>A (NM_001348042.3); c.430-1G>A (NM_001348038.3, NM_001348039.3).
Identifiers: ClinVar variation 3240910 (VCV003240910.4), dbSNP rs1800087042.

ClinVar aggregate classification (germline): Likely pathogenic (1 of 4 stars; one submission).

Conditions:
Bardet-Biedl syndrome (BBS). Identifiers: Orphanet 110, MedGen C0752166, MONDO:0015229.

Allele frequency attached by ClinVar (database versions not stated): gnomAD exomes below 0.00001; gnomAD 0.00001.
gnomAD v4.1: 6 of 1,613,418 alleles (0.00037%); highest among the groups gnomAD compares: Non-Finnish European, 0.00042%; no homozygotes.

Submission:

Labcorp Genetics (formerly Invitae), Labcorp
Classification: Likely pathogenic for Bardet-Biedl syndrome. Last evaluated: 2024-02-04. Review status: criteria provided, single submitter. Criteria: Invitae Variant Classification Sherloc (09022015). Collection method: clinical testing. Allele origin: germline.
Comment: This sequence change affects an acceptor splice site in intron 7 of the BBS9 gene. It is expected to disrupt RNA splicing. Variants that disrupt the donor or acceptor splice site typically lead to a loss of protein function (PMID: 16199547), and loss-of-function variants in BBS9 are known to be pathogenic (PMID: 16380913, 20177705). This variant is not present in population databases (gnomAD no frequency). This variant has not been reported in the literature in individuals affected with BBS9-related conditions. Algorithms developed to predict the effect of sequence changes on RNA splicing suggest that this variant may disrupt the consensus splice site. In summary, the currently available evidence indicates that the variant is pathogenic, but additional data are needed to prove that conclusively. Therefore, this variant has been classified as Likely Pathogenic.

Literature cited by the submitters: PubMed 16199547; PubMed 16380913; PubMed 20177705.